The following is an entry in ClinVar:

NC_000019.10:g.45227673dup

Gene: EXOC3L2 (exocyst complex component 3 like 2; minus strand). Cytogenetic location: 19q13.32.
Variant type: Duplication.
Genome position: GRCh38 VCF-style: chr19-45227667-T-TG. GRCh37 (hg19) VCF-style: chr19-45730925-T-TG.
Other names: NM_138568.3:c.398dupC; 1-BP DUP, 398C.
Identifiers: ClinVar variation 266076 (VCV000266076.2), dbSNP rs886039793, ClinGen allele CA10588982.

ClinVar aggregate classification (germline): Pathogenic/Likely pathogenic. Review status: no assertion criteria provided (0 of 4 stars). 2 submissions from 2 submitters: Pathogenic (1); Likely pathogenic (1). Last evaluated 2024-09-16.

Conditions:
Meckel-Gruber syndrome. Also called: DYSENCEPHALIA SPLANCHNOCYSTICA; GRUBER SYNDROME; Dysencephalia splachnocystica. Identifiers: Orphanet 564, MedGen C0265215, MONDO:0018921.
Brain malformation renal syndrome. Identifiers: MedGen C5975390, MONDO:0975799, OMIM 620943.

Submissions (2):

OMIM
Classification: Pathogenic for BRAIN MALFORMATION RENAL SYNDROME. Last evaluated: 2024-09-16. Review status: no assertion criteria provided. Collection method: literature only. Allele origin: germline.

Genomic Medicine Center of Excellence, King Faisal Specialist Hospital and Research Centre
Classification: Likely pathogenic for Meckel syndrome. Review status: no assertion criteria provided. Collection method: research. Allele origin: germline. Affected: yes. Observed: 1 homozygote.
Comment: LOF, autozygosity mapping

Literature cited by the submitters: PubMed 27894351 (cited by OMIM).